The following is an entry in ClinVar:

ClinVar aggregate classification (germline): Pathogenic (1 of 4 stars; one submission).

Conditions:
Hereditary cancer-predisposing syndrome. Also called: Neoplastic Syndromes, Hereditary; Hereditary Cancer Syndrome; Tumor predisposition; Hereditary neoplastic syndrome. Identifiers: Orphanet 140162, MedGen C0027672, MeSH D009386, MONDO:0015356.

Submission:

Color Diagnostics, LLC DBA Color Health
Classification: Pathogenic for Hereditary cancer-predisposing syndrome. Last evaluated: 2020-02-27. Review status: criteria provided, single submitter. Criteria: ACMG Guidelines, 2015. Collection method: clinical testing. Allele origin: germline.
Comment: This variant deletes 2 nucleotides in exon 43 of the ATM gene, creating a frameshift and premature translation stop signal. This variant is expected to result in an absent or non-functional protein product. To our knowledge, this variant has not been reported in individuals affected with hereditary cancer in the literature. This variant has not been identified in the general population by the Genome Aggregation Database (gnomAD). Loss of ATM function is a known mechanism of disease. Based on the available evidence, this variant is classified as Pathogenic.

NM_000051.4(ATM):c.6237_6238del (p.Tyr2080fs)

Genes: ATM (ATM serine/threonine kinase; plus strand), C11orf65 (chromosome 11 open reading frame 65; minus strand). Cytogenetic location: 11q22.3.
Variant type: Deletion.
Coding change: c.6237_6238del on transcript NM_000051.4 (MANE Select); coding-DNA positions 6237 to 6238, 2 bases deleted (CT; older notation c.6237_6238delCT).
Protein change: p.Tyr2080fs; shifts the reading frame from tyrosine 2080.
Molecular consequence: frameshift variant. On other transcripts: intron variant (2).
Genome position (GRCh38, 1-based): chr11:108,317,411-108,317,412, CT deleted; deleting any 2 consecutive bases within chr11:108,317,410-108,317,412 gives the same sequence; the c. name uses the placement nearest the transcript's 3' end. VCF-style (leftmost placement, unchanged base first): chr11-108317409-GTC-G. GRCh37 (hg19) VCF-style: chr11-108188136-GTC-G.
Other names: c.6237_6238delCT, p.Tyr2080Phefs (NM_000051.3); c.6237_6238del, p.Tyr2080fs (NM_001351834.2); c.641-8340_641-8339del (NM_001330368.2); c.*39-8340_*39-8339del (NM_001351110.2); short protein forms Y2080fs.
Identifiers: ClinVar variation 490644 (VCV000490644.6), dbSNP rs1555114623, ClinGen allele CA658683713.